The following is an entry in ClinVar:

ClinVar aggregate classification (germline): Uncertain significance. Review status: criteria provided, multiple submitters, no conflicts (2 of 4 stars). 2 submissions from 2 submitters: Uncertain significance (2). Last evaluated 2026-07-13.

Conditions:
Hereditary cancer-predisposing syndrome. Also called: Hereditary Cancer Syndrome; Neoplastic Syndromes, Hereditary; Hereditary neoplastic syndrome; Tumor predisposition. Identifiers: Orphanet 140162, MedGen C0027672, MeSH D009386, MONDO:0015356.
Familial adenomatous polyposis 1 (FAP1). Also called: FAMILIAL ADENOMATOUS POLYPOSIS 1, ATTENUATED; POLYPOSIS, ADENOMATOUS INTESTINAL. Identifiers: MedGen C2713442, MONDO:0021056, OMIM 175100. Disease mechanism: loss of function.

Allele frequency attached by ClinVar (database versions not stated): TOPMed below 0.00001.

Submissions (2):

Ambry Genetics
Classification: Uncertain significance for Hereditary cancer-predisposing syndrome. Last evaluated: 2026-07-13. Review status: criteria provided, single submitter. Criteria: Ambry Variant Classification Scheme 2023. Collection method: clinical testing. Allele origin: germline.
Comment: The p.S2818A variant (also known as c.8452T>G), located in coding exon 15 of the APC gene, results from a T to G substitution at nucleotide position 8452. The serine at codon 2818 is replaced by alanine, an amino acid with similar properties. This amino acid position is conserved. In addition, in silico predictors for this gene do not accurately predict pathogenicity. Based on the available evidence, the clinical significance of this variant remains unclear.

Labcorp Genetics (formerly Invitae), Labcorp
Classification: Uncertain significance for Familial adenomatous polyposis 1. Last evaluated: 2021-01-02. Review status: criteria provided, single submitter. Criteria: Invitae Variant Classification Sherloc (09022015). Collection method: clinical testing. Allele origin: germline.
Comment: In summary, the available evidence is currently insufficient to determine the role of this variant in disease. Therefore, it has been classified as a Variant of Uncertain Significance. Algorithms developed to predict the effect of missense changes on protein structure and function are either unavailable or do not agree on the potential impact of this missense change (SIFT: "Tolerated"; PolyPhen-2: "Possibly Damaging"; Align-GVGD: "Class C0"). This variant has not been reported in the literature in individuals with APC-related conditions. This variant is not present in population databases (ExAC no frequency). This sequence change replaces serine with alanine at codon 2818 of the APC protein (p.Ser2818Ala). The serine residue is highly conserved and there is a moderate physicochemical difference between serine and alanine.

NM_000038.6(APC):c.8452T>G (p.Ser2818Ala)

Gene: APC (APC regulator of Wnt signaling pathway; plus strand). Cytogenetic location: 5q22.2.
Variant type: single nucleotide variant.
Coding change: c.8452T>G on transcript NM_000038.6 (MANE Select); coding-DNA position 8452, T replaced by G.
Protein change: p.Ser2818Ala; replaces serine 2818 with alanine.
Molecular consequence: missense variant.
Genome position (GRCh38, 1-based): chr5:112,844,046, T>G. VCF-style: chr5-112844046-T-G. GRCh37 (hg19) VCF-style: chr5-112179743-T-G.
Other names: c.8452T>G, p.Ser2818Ala (NM_001127510.3, NM_001354895.2); c.8398T>G, p.Ser2800Ala (NM_001127511.3); c.8506T>G, p.Ser2836Ala (NM_001354896.2); c.8482T>G, p.Ser2828Ala (NM_001354897.2); c.8377T>G, p.Ser2793Ala (NM_001354898.2); c.8368T>G, p.Ser2790Ala (NM_001354899.2); c.8329T>G, p.Ser2777Ala (NM_001354900.2); c.8275T>G, p.Ser2759Ala (NM_001354901.2); and 6 more; short protein forms S2717A, S2727A, S2759A, S2800A, S2836A, S2658A, S2692A, S2790A.
Identifiers: ClinVar variation 1347413 (VCV001347413.9), dbSNP rs1766752129, ClinGen allele CA16039667.